The following is an entry in ClinVar:

ClinVar aggregate classification (germline): Benign/Likely benign. Review status: criteria provided, multiple submitters, no conflicts (2 of 4 stars). 3 submissions from 3 submitters: Benign (1); Likely benign (2). Last evaluated 2025-01-03.

Conditions:
Hereditary cancer-predisposing syndrome. Also called: Neoplastic Syndromes, Hereditary; Tumor predisposition; Hereditary Cancer Syndrome; Hereditary neoplastic syndrome. Identifiers: Orphanet 140162, MedGen C0027672, MeSH D009386, MONDO:0015356.
Lynch syndrome 5 (LYNCH5). Also called: Colorectal cancer, hereditary nonpolyposis, type 5; Hereditary non-polyposis colorectal cancer, type 5. Identifiers: Orphanet 144, MedGen C1833477, MONDO:0013710, OMIM 614350. Disease mechanism: loss of function.

Submissions (3):

Myriad Genetics, Inc.
Classification: Benign for Lynch syndrome 5. Last evaluated: 2025-01-03. Review status: criteria provided, single submitter. Criteria: Myriad Autosomal Dominant, Autosomal Recessive and X-Linked Classification Criteria (2023). Collection method: clinical testing. Allele origin: unknown.
Comment: This variant is considered benign. This variant is a silent/synonymous amino acid change and it is not expected to impact splicing.

Ambry Genetics
Classification: Likely benign for Hereditary cancer-predisposing syndrome. Last evaluated: 2022-02-12. Review status: criteria provided, single submitter. Criteria: Ambry Variant Classification Scheme 2023. Collection method: clinical testing. Allele origin: germline.

Color Diagnostics, LLC DBA Color Health
Classification: Likely benign for Hereditary cancer-predisposing syndrome. Last evaluated: 2020-03-17. Review status: criteria provided, single submitter. Criteria: ACMG Guidelines, 2015. Collection method: clinical testing. Allele origin: germline.

NM_000179.3(MSH6):c.3240G>C (p.Leu1080=)

Gene: MSH6 (mutS homolog 6; plus strand). Cytogenetic location: 2p16.3.
Variant type: single nucleotide variant.
Coding change: c.3240G>C on transcript NM_000179.3 (MANE Select); coding-DNA position 3240, G replaced by C.
Protein change: p.Leu1080=; no amino-acid change (leucine 1080 retained).
Molecular consequence: synonymous variant.
Genome position (GRCh38, 1-based): chr2:47,803,487, G>C. VCF-style: chr2-47803487-G-C. GRCh37 (hg19) VCF-style: chr2-48030626-G-C.
Other names: c.2850G>C, p.Leu950= (NM_001281492.2); c.2334G>C, p.Leu778= (NM_001281493.2, NM_001281494.2).
Identifiers: ClinVar variation 919591 (VCV000919591.5), dbSNP rs1114167739, ClinGen allele CA426121828.